The following is an entry in ClinVar:

NM_001844.5(COL2A1):c.3196G>T (p.Ala1066Ser)

Gene: COL2A1 (collagen type II alpha 1 chain; minus strand). Cytogenetic location: 12q13.11.
Variant type: single nucleotide variant.
Coding change: c.3196G>T on transcript NM_001844.5 (MANE Select); coding-DNA position 3196, G replaced by T.
Protein change: p.Ala1066Ser; replaces alanine 1066 with serine.
Molecular consequence: missense variant.
Genome position (GRCh38, 1-based): chr12:47,977,397, C>A on the plus strand (G>T on the coding strand, the complement: COL2A1 is on the minus strand). VCF-style: chr12-47977397-C-A. GRCh37 (hg19) VCF-style: chr12-48371180-C-A.
Other names: c.2989G>T, p.Ala997Ser (NM_033150.3); short protein forms A1066S, A997S.
Identifiers: ClinVar variation 4770001 (VCV004770001.1).
Genomic context (GRCh38, chr12:47,977,397, plus strand): 5'-CTTGCTTGCCAGTTGGACCAGCGGGGCCAGGGGAGCCAGGGGGCCCAGGGGCTCCAGGAG[C>A]TCCCACAGCACCAGTCTCACCACGATCACCCTGTCAGGAGAGAGGTCTCAGGCTCAGAGA-3'
Protein context (NP_001835.3, residues 1056-1076): GDRGETGAVG[Ala1066Ser]PGAPGPPGSP

ClinVar aggregate classification (germline): Uncertain significance (1 of 4 stars; one submission).

Submission:

Labcorp Genetics (formerly Invitae), Labcorp
Classification: Uncertain significance. Last evaluated: 2025-07-30. Review status: criteria provided, single submitter. Criteria: Invitae Variant Classification Sherloc (09022015). Collection method: clinical testing. Allele origin: germline.
Comment: This sequence change replaces alanine, which is neutral and non-polar, with serine, which is neutral and polar, at codon 1066 of the COL2A1 protein (p.Ala1066Ser). This variant is not present in population databases (gnomAD no frequency). This variant has not been reported in the literature in individuals affected with COL2A1-related conditions. Invitae Evidence Modeling of protein sequence and biophysical properties (such as structural, functional, and spatial information, amino acid conservation, physicochemical variation, residue mobility, and thermodynamic stability) indicates that this missense variant is not expected to disrupt COL2A1 protein function with a negative predictive value of 95%. In summary, the available evidence is currently insufficient to determine the role of this variant in disease. Therefore, it has been classified as a Variant of Uncertain Significance.